The following is an entry in ClinVar:

ClinVar aggregate classification (germline): Uncertain significance (1 of 4 stars; one submission).

Conditions:
Cohen syndrome (COH1). Also called: Cutis verticis gyrata, retinitis pigmentosa, and sensorineural deafness; PEPPER SYNDROME. Identifiers: Orphanet 193, MedGen C0265223, MONDO:0008999, OMIM 216550.

Allele frequency attached by ClinVar (database versions not stated): gnomAD exomes below 0.00001.
gnomAD v4.1: 1 of 1,614,124 alleles (0.000062%); highest among the groups gnomAD compares: Non-Finnish European, 0.000085%; no homozygotes.

Submission:

Labcorp Genetics (formerly Invitae), Labcorp
Classification: Uncertain significance for Cohen syndrome. Last evaluated: 2022-08-17. Review status: criteria provided, single submitter. Criteria: Invitae Variant Classification Sherloc (09022015). Collection method: clinical testing. Allele origin: germline.
Comment: In summary, the available evidence is currently insufficient to determine the role of this variant in disease. Therefore, it has been classified as a Variant of Uncertain Significance. Algorithms developed to predict the effect of missense changes on protein structure and function are either unavailable or do not agree on the potential impact of this missense change (SIFT: "Not Available"; PolyPhen-2: "Possibly Damaging"; Align-GVGD: "Not Available"). This variant has not been reported in the literature in individuals affected with VPS13B-related conditions. This variant is not present in population databases (gnomAD no frequency). This sequence change replaces glycine, which is neutral and non-polar, with alanine, which is neutral and non-polar, at codon 3670 of the VPS13B protein (p.Gly3670Ala).

NM_152564.5(VPS13B):c.10934G>C (p.Gly3645Ala)

Gene: VPS13B (vacuolar protein sorting 13 homolog B; plus strand). Cytogenetic location: 8q22.2.
Variant type: single nucleotide variant.
Coding change: c.10934G>C on transcript NM_152564.5 (MANE Select); coding-DNA position 10934, G replaced by C.
Protein change: p.Gly3645Ala; replaces glycine 3645 with alanine.
Molecular consequence: missense variant.
Genome position (GRCh38, 1-based): chr8:99,859,370, G>C. VCF-style: chr8-99859370-G-C. GRCh37 (hg19) VCF-style: chr8-100871598-G-C.
Other names: c.11009G>C, p.Gly3670Ala (NM_017890.5); short protein forms G3645A, G3670A.
Identifiers: ClinVar variation 1976010 (VCV001976010.5), dbSNP rs2492278127, ClinGen allele CA371789102.
Genomic context (GRCh38, chr8:99,859,370, plus strand): 5'-TAGTTGGGTCTCTGGATATTCTTGGCAGCCCTGCAAGCCTGGTGAGAAGCATCGGGAACG[G>C]GGTCGCCGACTTCTTCAGGCTTCCGTATGAGGGGCTGACCCGGGGCCCTGGAGCCTTCGT-3'
Protein context (NP_689777.3, residues 3635-3655): PASLVRSIGN[Gly3645Ala]VADFFRLPYE